The following is an entry in ClinVar:

ClinVar aggregate classification (germline): Uncertain significance (1 of 4 stars; one submission).

Conditions:
Neuropathy, hereditary sensory and autonomic, type 2A (HSAN2A). Also called: WNK1-Related HSAN2 (HSAN2A); HSAN IIA; ACROOSTEOLYSIS, GIACCAI TYPE; ACROOSTEOLYSIS, NEUROGENIC; MORVAN DISEASE; NEUROPATHY, CONGENITAL SENSORY. Identifiers: Orphanet 970, MedGen C2752089, MONDO:0024309, OMIM 201300.
Generalized epilepsy with febrile seizures plus, type 7 (GEFSP7). Also called: GEFS+, TYPE 7. Identifiers: Orphanet 36387, MedGen C2751778, MONDO:0013470, OMIM 613863.

Allele frequency attached by ClinVar (database versions not stated): TOPMed below 0.00001.
gnomAD v4.1: 4 of 1,612,088 alleles (0.00025%); highest among the groups gnomAD compares: Non-Finnish European, 0.00034%; no homozygotes.

Submission:

Labcorp Genetics (formerly Invitae), Labcorp
Classification: Uncertain significance for Neuropathy, hereditary sensory and autonomic, type 2A; Generalized epilepsy with febrile seizures plus, type 7. Last evaluated: 2021-10-23. Review status: criteria provided, single submitter. Criteria: Invitae Variant Classification Sherloc (09022015). Collection method: clinical testing. Allele origin: germline.
Comment: Algorithms developed to predict the effect of missense changes on protein structure and function are either unavailable or do not agree on the potential impact of this missense change (SIFT: "Deleterious"; PolyPhen-2: "Probably Damaging"; Align-GVGD: "Class C0"). This sequence change replaces leucine with phenylalanine at codon 106 of the SCN9A protein (p.Leu106Phe). The leucine residue is highly conserved and there is a small physicochemical difference between leucine and phenylalanine. This variant is not present in population databases (ExAC no frequency). This variant has not been reported in the literature in individuals affected with SCN9A-related conditions. In summary, the available evidence is currently insufficient to determine the role of this variant in disease. Therefore, it has been classified as a Variant of Uncertain Significance.

NM_001365536.1(SCN9A):c.318A>T (p.Leu106Phe)

Gene: SCN9A (sodium voltage-gated channel alpha subunit 9; minus strand). Cytogenetic location: 2q24.3.
Variant type: single nucleotide variant.
Coding change: c.318A>T on transcript NM_001365536.1 (MANE Select); coding-DNA position 318, A replaced by T.
Protein change: p.Leu106Phe; replaces leucine 106 with phenylalanine.
Molecular consequence: missense variant.
Genome position (GRCh38, 1-based): chr2:166,307,015, T>A on the plus strand (A>T on the coding strand, the complement: SCN9A is on the minus strand). VCF-style: chr2-166307015-T-A. GRCh37 (hg19) VCF-style: chr2-167163525-T-A.
Other names: c.318A>T, p.Leu106Phe (NM_002977.4); short protein forms L106F.
Identifiers: ClinVar variation 1465629 (VCV001465629.6), dbSNP rs903367077, ClinGen allele CA59809479.
Genomic context (GRCh38, chr2:166,307,015, plus strand): 5'-TGAGTGTACTAAAATCTTAATAGATATTCTTCTTAGAGGACTGAAAGGAGAAAGCATATA[T>A]AAAGCAGGTGTGGCATTGAAACGGAAGATTGTTTTCCCTTTGTTCAATACTATGAAAGTC-3'
Protein context (NP_001352465.1, residues 96-116): TIFRFNATPA[Leu106Phe]YMLSPFSPLR